The following is an entry in ClinVar:

NM_000206.3(IL2RG):c.924+9G>T

Gene: IL2RG (interleukin 2 receptor subunit gamma; minus strand). Cytogenetic location: Xq13.1.
Variant type: single nucleotide variant.
Coding change: c.924+9G>T on transcript NM_000206.3 (MANE Select); 9 bases into the intron after coding-DNA position 924, G replaced by T.
Molecular consequence: intron variant.
Genome position (GRCh38, 1-based): chrX:71,108,268, C>A on the plus strand (G>T on the coding strand, the complement: IL2RG is on the minus strand). VCF-style: chrX-71108268-C-A. GRCh37 (hg19) VCF-style: chrX-70328118-C-A.
Identifiers: ClinVar variation 1559662 (VCV001559662.8), dbSNP rs1198550634, ClinGen allele CA641945097.

ClinVar aggregate classification (germline): Uncertain significance. Review status: reviewed by expert panel (3 of 4 stars). 2 submissions from 2 submitters: Uncertain significance (1). 1 of the submissions does not count toward it. Last evaluated 2023-11-14.

Conditions:
X-linked severe combined immunodeficiency (SCIDX1). Also called: IMMUNODEFICIENCY 4; SCID, X-LINKED; SEVERE COMBINED IMMUNODEFICIENCY, X-LINKED, T CELL-NEGATIVE, B CELL-POSITIVE, NK CELL-NEGATIVE; T-B+ severe combined immunodeficiency due to gamma chain deficiency; X-Linked Combined Immunodeficiency Diseases. Identifiers: Orphanet 276, MedGen C6022468, MONDO:0010315, OMIM 300400. Disease mechanism: loss of function.

Allele frequency attached by ClinVar (database versions not stated): gnomAD exomes below 0.00001 and 0.00001.
gnomAD v4.1: 2 of 1,170,561 alleles (0.00017%); highest among the groups gnomAD compares: Non-Finnish European, 0.00023%; no homozygotes.

Submissions (2):

ClinGen Severe Combined Immunodeficiency Variant Curation Expert Panel, ClinGen
Classification: Uncertain significance for X-linked severe combined immunodeficiency. Last evaluated: 2023-11-14. Review status: reviewed by expert panel. Criteria: ClinGen SCID ACMG Specifications IL2RG V1.0.0. Collection method: curation. Allele origin: germline. Inheritance: X-linked inheritance.
Comment: The NM_000206.3:c.924+9G>T is a deep intron variant affecting nucleotides beyond the +7 (donor) position. The variant is not predicted by SpliceAI, varSEAK, and NNsplice to impact splicing (BP7). In gnomAD v2.1.1, this variant is not observed in any hemizygous adult individual. The highest subpopulation minor allele frequency in gnomAD v2.1.1 is 0.00001223 (1/81766 alleles) in European (non-Finnish) population, which is lower than the ClinGen SCID VCEP threshold (<0.000124) for PM2_Supporting (PM2_Supporting). Due to insufficient evidence, this variant is classified as a variant of uncertain significance for SCID. ACMG/AMP criteria applied, as specified by the ClinGen SCID-VCEP: BP7, PM2_Supporting. (VCEP specifications version 1).

Labcorp Genetics (formerly Invitae), Labcorp
Classification: Likely benign for X-linked severe combined immunodeficiency. Last evaluated: 2026-01-08. Review status: criteria provided, single submitter. Criteria: Invitae Variant Classification Sherloc (09022015). Collection method: clinical testing. Allele origin: germline. Not counted in ClinVar's aggregate classification.